The following is an entry in ClinVar:

NM_001256789.3(CACNA1F):c.4310C>T (p.Thr1437Ile)

Gene: CACNA1F (calcium voltage-gated channel subunit alpha1 F; minus strand). Cytogenetic location: Xp11.23.
Variant type: single nucleotide variant.
Coding change: c.4310C>T on transcript NM_001256789.3 (MANE Select); coding-DNA position 4310, C replaced by T.
Protein change: p.Thr1437Ile; replaces threonine 1437 with isoleucine.
Molecular consequence: missense variant.
Genome position (GRCh38, 1-based): chrX:49,211,043, G>A on the plus strand (C>T on the coding strand, the complement: CACNA1F is on the minus strand). VCF-style: chrX-49211043-G-A. GRCh37 (hg19) VCF-style: chrX-49067503-G-A.
Other names: c.4148C>T, p.Thr1383Ile (NM_001256790.3); c.4343C>T, p.Thr1448Ile (NM_005183.4); c.4343C>T (NM_005183.2); short protein forms T1437I, T1448I, T1383I.
Identifiers: ClinVar variation 1044837 (VCV001044837.9), dbSNP rs1428150921, ClinGen allele CA412961317.

ClinVar aggregate classification (germline): Uncertain significance. Review status: criteria provided, multiple submitters, no conflicts (2 of 4 stars). 2 submissions from 2 submitters: Uncertain significance (2). Last evaluated 2024-05-21.

Conditions:
Inborn genetic diseases. Identifiers: MedGen C0950123, MeSH D030342.

Allele frequency attached by ClinVar (database versions not stated): gnomAD 0.00001; gnomAD exomes 0.00001; TOPMed 0.00002.
gnomAD v4.1: 15 of 1,204,471 alleles (0.0012%); highest among the groups gnomAD compares: Non-Finnish European, 0.0017%; no homozygotes.

Submissions (2):

Ambry Genetics
Classification: Uncertain significance for Inborn genetic diseases. Last evaluated: 2024-05-21. Review status: criteria provided, single submitter. Criteria: Ambry Variant Classification Scheme 2023. Collection method: clinical testing. Allele origin: germline.

Labcorp Genetics (formerly Invitae), Labcorp
Classification: Uncertain significance. Last evaluated: 2023-02-06. Review status: criteria provided, single submitter. Criteria: Invitae Variant Classification Sherloc (09022015). Collection method: clinical testing. Allele origin: germline.
Comment: This sequence change replaces threonine, which is neutral and polar, with isoleucine, which is neutral and non-polar, at codon 1448 of the CACNA1F protein (p.Thr1448Ile). This variant is not present in population databases (gnomAD no frequency). This variant has not been reported in the literature in individuals affected with CACNA1F-related conditions. ClinVar contains an entry for this variant (Variation ID: 1044837). Advanced modeling of protein sequence and biophysical properties (such as structural, functional, and spatial information, amino acid conservation, physicochemical variation, residue mobility, and thermodynamic stability) performed at Invitae indicates that this missense variant is expected to disrupt CACNA1F protein function. In summary, the available evidence is currently insufficient to determine the role of this variant in disease. Therefore, it has been classified as a Variant of Uncertain Significance.